The following is an entry in ClinVar:

ClinVar aggregate classification (germline): Likely benign (1 of 4 stars; one submission).

gnomAD v4.1: 141 of 1,490,292 alleles (0.0095%); highest among the groups gnomAD compares: African/African-American, 0.12%; no homozygotes.

Submission:

CeGaT Center for Human Genetics Tuebingen
Classification: Likely benign. Last evaluated: 2026-09-01. Review status: criteria provided, single submitter. Criteria: CeGaT Center For Human Genetics Tuebingen Variant Classification Criteria Version 2. Collection method: clinical testing. Allele origin: germline. Affected: yes. Observed: 2 variant alleles.
Comment: BRF1: BP4, BP7

NM_001519.4(BRF1):c.54G>C (p.Ala18=)

Gene: BRF1 (BRF1 general transcription factor IIIB subunit; minus strand). Cytogenetic location: 14q32.33.
Variant type: single nucleotide variant.
Coding change: c.54G>C on transcript NM_001519.4 (MANE Select); coding-DNA position 54, G replaced by C.
Protein change: p.Ala18=; no amino-acid change (alanine 18 retained).
Molecular consequence: synonymous variant. On other transcripts: intron variant (3).
Genome position (GRCh38, 1-based): chr14:105,300,576, C>G on the plus strand (G>C on the coding strand, the complement: BRF1 is on the minus strand). VCF-style: chr14-105300576-C-G. GRCh37 (hg19) VCF-style: chr14-105766913-C-G.
Other names: c.54G>C, p.Ala18= (NM_001242790.2, NM_001440449.1, NM_001440450.1 and 1 more transcripts); c.-161-14200G>C (NM_001440451.1, NM_001242787.2, NM_001242786.2).
Identifiers: ClinVar variation 4534211 (VCV004534211.6).